The following is an entry in ClinVar:

NM_001242908.2(RSPO1):c.585del (p.Thr196fs)

Gene: RSPO1 (R-spondin 1; minus strand). Cytogenetic location: 1p34.3.
Variant type: Deletion.
Coding change: c.585del on transcript NM_001242908.2 (MANE Select); coding-DNA position 585, one base deleted (G; older notation c.585delG).
Protein change: p.Thr196fs; shifts the reading frame from threonine 196.
Molecular consequence: frameshift variant. On other transcripts: intron variant (1).
Genome position (GRCh38, 1-based): chr1:37,613,744, C deleted on the plus strand (G on the coding strand, the reverse complement: RSPO1 is on the minus strand). VCF-style (leftmost placement, unchanged base first): chr1-37613743-TC-T. GRCh37 (hg19) VCF-style: chr1-38079415-TC-T.
Other names: c.585del, p.Thr196fs (NM_001038633.4); c.504del, p.Thr169fs (NM_001242909.2); c.436+440del (NM_001242910.2); short protein forms T196fs, T169fs.
Identifiers: ClinVar variation 2826165 (VCV002826165.3), dbSNP rs2522586199, ClinGen allele CA2739272462.

ClinVar aggregate classification (germline): Uncertain significance (1 of 4 stars; one submission).

Submission:

Labcorp Genetics (formerly Invitae), Labcorp
Classification: Uncertain significance. Last evaluated: 2023-01-03. Review status: criteria provided, single submitter. Criteria: Invitae Variant Classification Sherloc (09022015). Collection method: clinical testing. Allele origin: germline.
Comment: In summary, the available evidence is currently insufficient to determine the role of this variant in disease. Therefore, it has been classified as a Variant of Uncertain Significance. Experimental studies and prediction algorithms are not available or were not evaluated, and the functional significance of this variant is currently unknown. This variant has not been reported in the literature in individuals affected with RSPO1-related conditions. This variant is not present in population databases (gnomAD no frequency). This sequence change creates a premature translational stop signal (p.Thr196Profs*6) in the RSPO1 gene. While this is not anticipated to result in nonsense mediated decay, it is expected to disrupt the last 68 amino acid(s) of the RSPO1 protein.